The following is an entry in ClinVar:

ClinVar aggregate classification (germline): Uncertain significance (1 of 4 stars; one submission).

Conditions:
Neurodevelopmental disorder with progressive spasticity and brain white matter abnormalities. Also called: CEREBRAL PALSY, SPASTIC QUADRIPLEGIC, 1. Identifiers: Orphanet 210141, Orphanet 641353, MedGen C5436628, MONDO:0033613, OMIM 619026.

Allele frequency attached by ClinVar (database versions not stated): gnomAD exomes below 0.00001.
gnomAD v4.1: 1 of 1,614,152 alleles (0.000062%); highest among the groups gnomAD compares: Non-Finnish European, 0.000085%; no homozygotes.

Submission:

Labcorp Genetics (formerly Invitae), Labcorp
Classification: Uncertain significance for Neurodevelopmental disorder with progressive spasticity and brain white matter abnormalities. Last evaluated: 2022-09-12. Review status: criteria provided, single submitter. Criteria: Invitae Variant Classification Sherloc (09022015). Collection method: clinical testing. Allele origin: germline.
Comment: In summary, the available evidence is currently insufficient to determine the role of this variant in disease. Therefore, it has been classified as a Variant of Uncertain Significance. Advanced modeling of protein sequence and biophysical properties (such as structural, functional, and spatial information, amino acid conservation, physicochemical variation, residue mobility, and thermodynamic stability) performed at Invitae indicates that this missense variant is not expected to disrupt GAD1 protein function. ClinVar contains an entry for this variant (Variation ID: 1496084). This variant has not been reported in the literature in individuals affected with GAD1-related conditions. This variant is not present in population databases (gnomAD no frequency). This sequence change replaces leucine, which is neutral and non-polar, with phenylalanine, which is neutral and non-polar, at codon 583 of the GAD1 protein (p.Leu583Phe).

NM_000817.3(GAD1):c.1747C>T (p.Leu583Phe)

Gene: GAD1 (glutamate decarboxylase 1; plus strand). Cytogenetic location: 2q31.1.
Variant type: single nucleotide variant.
Coding change: c.1747C>T on transcript NM_000817.3 (MANE Select); coding-DNA position 1747, C replaced by T.
Protein change: p.Leu583Phe; replaces leucine 583 with phenylalanine.
Molecular consequence: missense variant.
Genome position (GRCh38, 1-based): chr2:170,859,844, C>T. VCF-style: chr2-170859844-C-T. GRCh37 (hg19) VCF-style: chr2-171716354-C-T.
Other names: short protein forms L583F.
Identifiers: ClinVar variation 1496084 (VCV001496084.8), dbSNP rs1208499139, ClinGen allele CA349270245.